The following is an entry in ClinVar:

NM_014208.3(DSPP):c.91T>C (p.Ser31Pro)

Genes: DMP1-AS1 (DMP1 and DSPP antisense RNA 1; minus strand), DSPP (dentin sialophosphoprotein; plus strand). Cytogenetic location: 4q22.1.
Variant type: single nucleotide variant.
Coding change: c.91T>C on transcript NM_014208.3 (MANE Select); coding-DNA position 91, T replaced by C.
Protein change: p.Ser31Pro; replaces serine 31 with proline.
Molecular consequence: missense variant.
Genome position (GRCh38, 1-based): chr4:87,612,144, T>C. VCF-style: chr4-87612144-T-C. GRCh37 (hg19) VCF-style: chr4-88533296-T-C.
Other names: short protein forms S31P.
Identifiers: ClinVar variation 3369712 (VCV003369712.2).

ClinVar aggregate classification (germline): Uncertain significance (1 of 4 stars; one submission).

gnomAD v4.1: 69 of 1,613,828 alleles (0.0043%); highest among the groups gnomAD compares: Non-Finnish European, 0.0055%; no homozygotes.

Submission:

GeneDx
Classification: Uncertain significance. Last evaluated: 2026-04-02. Review status: criteria provided, single submitter. Criteria: GeneDx Variant Classification Process June 2021. Collection method: clinical testing. Allele origin: germline.
Comment: In silico analysis suggests that this missense variant does not alter protein structure/function; Has not been previously published as pathogenic or benign to our knowledge